The following is an entry in ClinVar:

NM_001288705.3(CSF1R):c.1816A>G (p.Lys606Glu)

Gene: CSF1R (colony stimulating factor 1 receptor; minus strand). Cytogenetic location: 5q32.
Variant type: single nucleotide variant.
Coding change: c.1816A>G on transcript NM_001288705.3 (MANE Select); coding-DNA position 1816, A replaced by G.
Protein change: p.Lys606Glu; replaces lysine 606 with glutamic acid.
Molecular consequence: missense variant. On other transcripts: non-coding transcript variant (2).
Genome position (GRCh38, 1-based): chr5:150,061,533, T>C on the plus strand (A>G on the coding strand, the complement: CSF1R is on the minus strand). VCF-style: chr5-150061533-T-C. GRCh37 (hg19) VCF-style: chr5-149441096-T-C.
Other names: c.1816A>G (NM_005211.3); c.1816A>G, p.Lys606Glu (NM_001349736.2, NM_001375320.1, NM_005211.4); c.1372A>G, p.Lys458Glu (NM_001375321.1); short protein forms K606E, K458E.
Identifiers: ClinVar variation 2991183 (VCV002991183.5), dbSNP rs1422850617, ClinGen allele CA361714075.

ClinVar aggregate classification (germline): Uncertain significance. Review status: criteria provided, single submitter (1 of 4 stars). 2 submissions from 2 submitters: Uncertain significance (1). 1 of the submissions does not count toward it. Last evaluated 2023-01-28.

Conditions:
CSF1R-related disorder. Also called: CSF1R-related condition. Identifiers: MedGen CN379780, MONDO:0100632.

gnomAD v4.1: 4 of 1,572,700 alleles (0.00025%); highest among the groups gnomAD compares: Non-Finnish European, 0.00017%; no homozygotes.

Submissions (2):

Labcorp Genetics (formerly Invitae), Labcorp
Classification: Uncertain significance. Last evaluated: 2023-01-28. Review status: criteria provided, single submitter. Criteria: Invitae Variant Classification Sherloc (09022015). Collection method: clinical testing. Allele origin: germline.
Comment: In summary, the available evidence is currently insufficient to determine the role of this variant in disease. Therefore, it has been classified as a Variant of Uncertain Significance. Advanced modeling of protein sequence and biophysical properties (such as structural, functional, and spatial information, amino acid conservation, physicochemical variation, residue mobility, and thermodynamic stability) performed at Invitae indicates that this missense variant is not expected to disrupt CSF1R protein function. This variant has not been reported in the literature in individuals affected with CSF1R-related conditions. This variant is present in population databases (no rsID available, gnomAD 0.0009%). This sequence change replaces lysine, which is basic and polar, with glutamic acid, which is acidic and polar, at codon 606 of the CSF1R protein (p.Lys606Glu).

PreventionGenetics, part of Exact Sciences
Classification: Uncertain significance for CSF1R-related condition. Last evaluated: 2024-02-02. Review status: no assertion criteria provided. Collection method: clinical testing. Allele origin: germline. Not counted in ClinVar's aggregate classification.
Comment: The CSF1R c.1816A>G variant is predicted to result in the amino acid substitution p.Lys606Glu. To our knowledge, this variant has not been reported in the literature. This variant is reported in 0.00088% of alleles in individuals of European (Non-Finnish) descent in gnomAD. At this time, the clinical significance of this variant is uncertain due to the absence of conclusive functional and genetic evidence.